The following is an entry in ClinVar:

ClinVar aggregate classification (germline): Uncertain significance. Review status: criteria provided, multiple submitters, no conflicts (2 of 4 stars). 3 submissions from 3 submitters: Uncertain significance (2). 1 of the submissions does not count toward it. Last evaluated 2026-02-22.

Conditions:
COQ9-related disorder. Also called: COQ9-related condition.

Allele frequency attached by ClinVar (database versions not stated): gnomAD exomes 0.00006 and 0.00001; 1000 Genomes Project 0.00020; ESP Exome Variant Server 0.00023; 1000 Genomes Project 30x 0.00016; ExAC 0.00007; gnomAD 0.00019 and 0.00017.
gnomAD v4.1: 38 of 1,614,148 alleles (0.0024%); highest among the groups gnomAD compares: African/African-American, 0.048%; no homozygotes.

Submissions (3):

GeneDx
Classification: Uncertain significance. Last evaluated: 2026-02-22. Review status: criteria provided, single submitter. Criteria: GeneDx Variant Classification Process June 2021. Collection method: clinical testing. Allele origin: germline.
Comment: In silico analysis supports that this missense variant has a deleterious effect on protein structure/function; Has not been previously published as pathogenic or benign to our knowledge

Labcorp Genetics (formerly Invitae), Labcorp
Classification: Uncertain significance. Last evaluated: 2023-11-27. Review status: criteria provided, single submitter. Criteria: Invitae Variant Classification Sherloc (09022015). Collection method: clinical testing. Allele origin: germline.
Comment: This sequence change replaces threonine, which is neutral and polar, with isoleucine, which is neutral and non-polar, at codon 242 of the COQ9 protein (p.Thr242Ile). This variant is present in population databases (rs149342311, gnomAD 0.08%). This variant has not been reported in the literature in individuals affected with COQ9-related conditions. ClinVar contains an entry for this variant (Variation ID: 1439168). An algorithm developed to predict the effect of missense changes on protein structure and function (PolyPhen-2) suggests that this variant is likely to be disruptive. In summary, the available evidence is currently insufficient to determine the role of this variant in disease. Therefore, it has been classified as a Variant of Uncertain Significance.

PreventionGenetics, part of Exact Sciences
Classification: Uncertain significance for COQ9-related condition. Last evaluated: 2024-09-17. Review status: no assertion criteria provided. Collection method: clinical testing. Allele origin: germline. Not counted in ClinVar's aggregate classification.
Comment: The COQ9 c.725C>T variant is predicted to result in the amino acid substitution p.Thr242Ile. To our knowledge, this variant has not been reported in the literature. This variant is reported in 0.076% of alleles in individuals of African descent in gnomAD, which may be too common to be a primary cause of disease. Although we suspect that this variant may be benign, at this time, the clinical significance of this variant is uncertain due to the absence of conclusive functional and genetic evidence.

NM_020312.4(COQ9):c.725C>T (p.Thr242Ile)

Gene: COQ9 (coenzyme Q9; plus strand). Cytogenetic location: 16q21.
Variant type: single nucleotide variant.
Coding change: c.725C>T on transcript NM_020312.4 (MANE Select); coding-DNA position 725, C replaced by T.
Protein change: p.Thr242Ile; replaces threonine 242 with isoleucine.
Molecular consequence: missense variant.
Genome position (GRCh38, 1-based): chr16:57,459,578, C>T. VCF-style: chr16-57459578-C-T. GRCh37 (hg19) VCF-style: chr16-57493490-C-T.
Other names: c.725C>T (NM_020312.3, NM_020312.1); short protein forms T242I.
Identifiers: ClinVar variation 1439168 (VCV001439168.6), dbSNP rs149342311, ClinGen allele CA8076333.